The following is an entry in ClinVar:

NM_021620.4(PRDM13):c.758A>T (p.Glu253Val)

Gene: PRDM13 (PR/SET domain 13; plus strand). Cytogenetic location: 6q16.2.
Variant type: single nucleotide variant.
Coding change: c.758A>T on transcript NM_021620.4 (MANE Select); coding-DNA position 758, A replaced by T.
Protein change: p.Glu253Val; replaces glutamic acid 253 with valine.
Molecular consequence: missense variant.
Genome position (GRCh38, 1-based): chr6:99,613,393, A>T. VCF-style: chr6-99613393-A-T. GRCh37 (hg19) VCF-style: chr6-100061269-A-T.
Other names: short protein forms E253V.
Identifiers: ClinVar variation 1899904 (VCV001899904.5), dbSNP rs1271092975, ClinGen allele CA365116166.

ClinVar aggregate classification (germline): Uncertain significance (1 of 4 stars; one submission).

Allele frequency attached by ClinVar (database versions not stated): TOPMed 0.00001; gnomAD 0.00002; gnomAD exomes 0.00002.
gnomAD v4.1: 29 of 1,555,786 alleles (0.0019%); highest among the groups gnomAD compares: Middle Eastern, 0.017%; no homozygotes.

Submission:

Labcorp Genetics (formerly Invitae), Labcorp
Classification: Uncertain significance. Last evaluated: 2025-08-20. Review status: criteria provided, single submitter. Criteria: Invitae Variant Classification Sherloc (09022015). Collection method: clinical testing. Allele origin: germline.
Comment: This sequence change replaces glutamic acid, which is acidic and polar, with valine, which is neutral and non-polar, at codon 253 of the PRDM13 protein (p.Glu253Val). The frequency data for this variant in the population databases is considered unreliable, as metrics indicate poor data quality at this position in the gnomAD database. This variant has not been reported in the literature in individuals affected with PRDM13-related conditions. ClinVar contains an entry for this variant (Variation ID: 1899904). An algorithm developed to predict the effect of missense changes on protein structure and function (PolyPhen-2) suggests that this variant is likely to be disruptive. In summary, the available evidence is currently insufficient to determine the role of this variant in disease. Therefore, it has been classified as a Variant of Uncertain Significance.